The following is an entry in ClinVar:

ClinVar aggregate classification (germline): Uncertain significance. Review status: criteria provided, multiple submitters, no conflicts (2 of 4 stars). 2 submissions from 2 submitters: Uncertain significance (2). Last evaluated 2022-07-10.

Conditions:
Familial thoracic aortic aneurysm and aortic dissection (TAAD). Also called: Thoracic aortic aneurysms and dissections. Identifiers: Orphanet 91387, MedGen C4707243, MONDO:0019625.
Aortic aneurysm, familial thoracic 7 (AAT7). Also called: AORTIC DISSECTION, FAMILIAL, WITH OR WITHOUT AORTIC ANEURYSM. Identifiers: MedGen C3151077, MONDO:0013418, OMIM 613780.

Allele frequency attached by ClinVar (database versions not stated): gnomAD exomes below 0.00001.
gnomAD v4.1: 1 of 1,614,156 alleles (0.000062%); highest among the groups gnomAD compares: Non-Finnish European, 0.000085%; no homozygotes.

Submissions (2):

Ambry Genetics
Classification: Uncertain significance for Familial thoracic aortic aneurysm and aortic dissection. Last evaluated: 2022-07-10. Review status: criteria provided, single submitter. Criteria: Ambry Variant Classification Scheme 2023. Collection method: clinical testing. Allele origin: germline.
Comment: The p.S666L variant (also known as c.1997C>T), located in coding exon 12 of the MYLK gene, results from a C to T substitution at nucleotide position 1997. The serine at codon 666 is replaced by leucine, an amino acid with dissimilar properties. This amino acid position is conserved. In addition, this alteration is predicted to be tolerated by in silico analysis. Since supporting evidence is limited at this time, the clinical significance of this alteration remains unclear.

Labcorp Genetics (formerly Invitae), Labcorp
Classification: Uncertain significance for Aortic aneurysm, familial thoracic 7. Last evaluated: 2019-08-30. Review status: criteria provided, single submitter. Criteria: Invitae Variant Classification Sherloc (09022015). Collection method: clinical testing. Allele origin: germline.
Comment: This variant is not present in population databases (ExAC no frequency). This sequence change replaces serine with leucine at codon 666 of the MYLK protein (p.Ser666Leu). The serine residue is highly conserved and there is a large physicochemical difference between serine and leucine. In summary, the available evidence is currently insufficient to determine the role of this variant in disease. Therefore, it has been classified as a Variant of Uncertain Significance. Algorithms developed to predict the effect of missense changes on protein structure and function are either unavailable or do not agree on the potential impact of this missense change (SIFT: "Deleterious"; PolyPhen-2: "Benign"; Align-GVGD: "Class C65"). This variant has not been reported in the literature in individuals with MYLK-related conditions.

NM_053025.4(MYLK):c.1997C>T (p.Ser666Leu)

Gene: MYLK (myosin light chain kinase; minus strand). Cytogenetic location: 3q21.1.
Variant type: single nucleotide variant.
Coding change: c.1997C>T on transcript NM_053025.4 (MANE Select); coding-DNA position 1997, C replaced by T.
Protein change: p.Ser666Leu; replaces serine 666 with leucine.
Molecular consequence: missense variant.
Genome position (GRCh38, 1-based): chr3:123,708,841, G>A on the plus strand (C>T on the coding strand, the complement: MYLK is on the minus strand). VCF-style: chr3-123708841-G-A. GRCh37 (hg19) VCF-style: chr3-123427688-G-A.
Other names: c.1469C>T, p.Ser490Leu (NM_001321309.2); c.1790C>T, p.Ser597Leu (NM_053026.4, NM_053028.4); c.1997C>T, p.Ser666Leu (NM_053027.4); short protein forms S666L, S490L, S597L.
Identifiers: ClinVar variation 940681 (VCV000940681.9), dbSNP rs2061566265, ClinGen allele CA354234501.
Genomic context (GRCh38, chr3:123,708,841, plus strand): 5'-AACACTTCCTGGATACAAAGGCTGTGCTGAGTTCCTCTCTGTTCAAAGTGGAAGTCCTCT[G>A]ACTCTTGGATCTCATTCCCATTGTGCAGCCAGATGACTTCAGGGGGTGGATTCCCTGAAC-3'
Protein context (NP_444253.3, residues 656-676): WLHNGNEIQE[Ser666Leu]EDFHFEQRGT